The following is an entry in ClinVar:

ClinVar aggregate classification (germline): Uncertain significance (1 of 4 stars; one submission).

Submission:

Labcorp Genetics (formerly Invitae), Labcorp
Classification: Uncertain significance. Last evaluated: 2025-06-04. Review status: criteria provided, single submitter. Criteria: Invitae Variant Classification Sherloc (09022015). Collection method: clinical testing. Allele origin: germline.
Comment: This sequence change replaces leucine, which is neutral and non-polar, with valine, which is neutral and non-polar, at codon 90 of the TWNK protein (p.Leu90Val). This variant is present in population databases (rs770133782, gnomAD 0.01%). This variant has not been reported in the literature in individuals affected with TWNK-related conditions. Invitae Evidence Modeling of protein sequence and biophysical properties (such as structural, functional, and spatial information, amino acid conservation, physicochemical variation, residue mobility, and thermodynamic stability) indicates that this missense variant is not expected to disrupt TWNK protein function with a negative predictive value of 95%. In summary, the available evidence is currently insufficient to determine the role of this variant in disease. Therefore, it has been classified as a Variant of Uncertain Significance.

NM_021830.5(TWNK):c.268C>G (p.Leu90Val)

Gene: TWNK (twinkle mtDNA helicase; plus strand). Cytogenetic location: 10q24.31.
Variant type: single nucleotide variant.
Coding change: c.268C>G on transcript NM_021830.5 (MANE Select); coding-DNA position 268, C replaced by G.
Protein change: p.Leu90Val; replaces leucine 90 with valine.
Molecular consequence: missense variant. On other transcripts: non-coding transcript variant (4), intron variant (3).
Genome position (GRCh38, 1-based): chr10:100,988,478, C>G. VCF-style: chr10-100988478-C-G. GRCh37 (hg19) VCF-style: chr10-102748235-C-G.
Other names: c.268C>G, p.Leu90Val (NM_001163812.2); c.-120+865C>G (NM_001163814.2, NM_001163813.2); c.-58+865C>G (NM_001368275.1); short protein forms L90V.
Identifiers: ClinVar variation 4751575 (VCV004751575.1).